The following is an entry in ClinVar:

NC_000005.10:g.(?_13718872)_(13721255_?)del

Gene: DNAH5 (dynein axonemal heavy chain 5; minus strand). Cytogenetic location: 5p15.2.
Variant type: Deletion.
Identifiers: ClinVar variation 833302 (VCV000833302.12).

ClinVar aggregate classification (germline): Pathogenic (1 of 4 stars; one submission).

Conditions:
Primary ciliary dyskinesia. Also called: Ciliary dyskinesia. Identifiers: Orphanet 244, MedGen C0008780, MONDO:0016575, HP:0012265.

Submission:

Labcorp Genetics (formerly Invitae), Labcorp
Classification: Pathogenic for Primary ciliary dyskinesia. Last evaluated: 2019-08-29. Review status: criteria provided, single submitter. Criteria: Invitae Variant Classification Sherloc (09022015). Collection method: clinical testing. Allele origin: germline.
Comment: This variant is an out-of-frame deletion of the genomic region encompassing exons 71-72 of the DNAH5 gene. This is expected to create a premature translational stop signal and result in an absent or disrupted protein product. This variant has not been reported in the literature in individuals with DNAH5-related conditions. Loss-of-function variants in DNAH5 are known to be pathogenic (PMID: 11788826, 16627867). For these reasons, this variant has been classified as Pathogenic.

Literature cited by the submitters: PubMed 11788826; PubMed 16627867.